The following is an entry in ClinVar:

NM_013275.6(ANKRD11):c.2695G>A (p.Asp899Asn)

Gene: ANKRD11 (ankyrin repeat domain 11; minus strand). Cytogenetic location: 16q24.3.
Variant type: single nucleotide variant.
Coding change: c.2695G>A on transcript NM_013275.6 (MANE Select); coding-DNA position 2695, G replaced by A.
Protein change: p.Asp899Asn; replaces aspartic acid 899 with asparagine.
Molecular consequence: missense variant.
Genome position (GRCh38, 1-based): chr16:89,283,847, C>T on the plus strand (G>A on the coding strand, the complement: ANKRD11 is on the minus strand). VCF-style: chr16-89283847-C-T. GRCh37 (hg19) VCF-style: chr16-89350255-C-T.
Other names: c.2695G>A, p.Asp899Asn (NM_001256182.2, NM_001256183.2); c.2695G>A (NM_013275.4); short protein forms D899N.
Identifiers: ClinVar variation 833645 (VCV000833645.11), dbSNP rs1423885373, ClinGen allele CA397161668.

ClinVar aggregate classification (germline): Conflicting classifications of pathogenicity. Review status: criteria provided, conflicting classifications (1 of 4 stars). 3 submissions from 3 submitters: Uncertain significance (2); Likely benign (1). Last evaluated 2026-03-09.

Conditions:
Inborn genetic diseases. Identifiers: MedGen C0950123, MeSH D030342.
KBG syndrome (KBGS). Also called: ANKRD11-Related KBG Syndrome. Identifiers: Orphanet 2332, MedGen C0220687, MONDO:0007846, OMIM 148050.

Allele frequency attached by ClinVar (database versions not stated): gnomAD 0.00001; gnomAD exomes 0.00001.
gnomAD v4.1: 3 of 1,614,020 alleles (0.00019%); highest among the groups gnomAD compares: Admixed American, 0.005%; no homozygotes.

Submissions (3):

Women's Health and Genetics/Laboratory Corporation of America, LabCorp
Classification: Uncertain significance. Last evaluated: 2026-03-09. Review status: criteria provided, single submitter. Criteria: LabCorp Variant Classification Summary - May 2015. Collection method: clinical testing. Allele origin: germline.
Comment: Variant summary: ANKRD11 c.2695G>A (p.Asp899Asn) results in a conservative amino acid change in the encoded protein sequence. Algorithms developed to predict the effect of missense changes on protein structure and function all suggest that this variant is likely to be tolerated. The variant allele was found at a frequency of 8e-06 in 251002 control chromosomes. The available data on variant occurrences in the general population are insufficient to allow any conclusion about variant significance. To our knowledge, no occurrence of c.2695G>A in individuals affected with ANKRD11-related conditions and no experimental evidence demonstrating its impact on protein function have been reported. ClinVar contains an entry for this variant (Variation ID: 833645). Based on the evidence outlined above, the variant was classified as uncertain significance.

Labcorp Genetics (formerly Invitae), Labcorp
Classification: Likely benign for KBG syndrome. Last evaluated: 2024-07-04. Review status: criteria provided, single submitter. Criteria: Invitae Variant Classification Sherloc (09022015). Collection method: clinical testing. Allele origin: germline.

Ambry Genetics
Classification: Uncertain significance for Inborn genetic diseases. Last evaluated: 2021-12-20. Review status: criteria provided, single submitter. Criteria: Ambry Variant Classification Scheme 2023. Collection method: clinical testing. Allele origin: germline.